The following is an entry in ClinVar:

ClinVar aggregate classification (germline): Uncertain significance (1 of 4 stars; one submission).

Conditions:
Inborn genetic diseases. Identifiers: MedGen C0950123, MeSH D030342.

gnomAD v4.1: 3 of 1,614,070 alleles (0.00019%); highest among the groups gnomAD compares: Admixed American, 0.0033%; no homozygotes.

Submission:

Ambry Genetics
Classification: Uncertain significance for Inborn genetic diseases. Last evaluated: 2025-07-14. Review status: criteria provided, single submitter. Criteria: Ambry Variant Classification Scheme 2023. Collection method: clinical testing. Allele origin: germline.
Comment: The p.L220F variant (also known as c.658C>T), located in coding exon 6 of the USB1 gene, results from a C to T substitution at nucleotide position 658. The leucine at codon 220 is replaced by phenylalanine, an amino acid with highly similar properties. This amino acid position is conserved. In addition, this alteration is predicted to be tolerated by in silico analysis. Based on the available evidence, the clinical significance of this variant remains unclear.

NM_024598.4(USB1):c.658C>T (p.Leu220Phe)

Gene: USB1 (U6 snRNA biogenesis phosphodiesterase 1; plus strand). Cytogenetic location: 16q21.
Variant type: single nucleotide variant.
Coding change: c.658C>T on transcript NM_024598.4 (MANE Select); coding-DNA position 658, C replaced by T.
Protein change: p.Leu220Phe; replaces leucine 220 with phenylalanine.
Molecular consequence: missense variant.
Genome position (GRCh38, 1-based): chr16:58,019,020, C>T. VCF-style: chr16-58019020-C-T. GRCh37 (hg19) VCF-style: chr16-58052924-C-T.
Other names: c.604C>T, p.Leu202Phe (NM_001195302.2); c.505C>T, p.Leu169Phe (NM_001330568.2); short protein forms L169F, L202F, L220F.
Identifiers: ClinVar variation 4196799 (VCV004196799.1).